The following is an entry in ClinVar:

ClinVar aggregate classification (germline): Likely benign. Review status: criteria provided, multiple submitters, no conflicts (2 of 4 stars). 3 submissions from 3 submitters: Likely benign (2). 1 of the submissions does not count toward it. Last evaluated 2025-10-23.

Conditions:
SEMA4A-related disorder. Also called: SEMA4A-related condition.

Allele frequency attached by ClinVar (database versions not stated): gnomAD exomes 0.00003 and 0.00006; ExAC 0.00006; ESP Exome Variant Server 0.00008; gnomAD 0.00021; 1000 Genomes Project 30x 0.00031; TOPMed 0.00036; 1000 Genomes Project 0.00040.
gnomAD v4.1: 85 of 1,614,160 alleles (0.0053%); highest among the groups gnomAD compares: Middle Eastern, 0.083%; no homozygotes.

Submissions (3):

Labcorp Genetics (formerly Invitae), Labcorp
Classification: Likely benign. Last evaluated: 2025-10-23. Review status: criteria provided, single submitter. Criteria: Invitae Variant Classification Sherloc (09022015). Collection method: clinical testing. Allele origin: germline.

Blueprint Genetics
Classification: Likely benign. Last evaluated: 2024-11-18. Review status: criteria provided, single submitter. Criteria: ACMG Guidelines, 2015. Collection method: clinical testing. Allele origin: germline.

PreventionGenetics, part of Exact Sciences
Classification: Likely benign for SEMA4A-related condition. Last evaluated: 2019-09-13. Review status: no assertion criteria provided. Collection method: clinical testing. Allele origin: germline. Not counted in ClinVar's aggregate classification.
Comment: This variant is classified as likely benign based on ACMG/AMP sequence variant interpretation guidelines (Richards et al. 2015 PMID: 25741868, with internal and published modifications).

NM_022367.4(SEMA4A):c.1047C>T (p.Val349=)

Gene: SEMA4A (semaphorin 4A; plus strand). Cytogenetic location: 1q22.
Variant type: single nucleotide variant.
Coding change: c.1047C>T on transcript NM_022367.4 (MANE Select); coding-DNA position 1047, C replaced by T.
Protein change: p.Val349=; no amino-acid change (valine 349 retained).
Molecular consequence: synonymous variant.
Genome position (GRCh38, 1-based): chr1:156,163,007, C>T. VCF-style: chr1-156163007-C-T. GRCh37 (hg19) VCF-style: chr1-156132798-C-T.
Other names: c.1047C>T, p.Val349= (NM_001193300.2, NM_001193301.2, NM_001370567.1); c.651C>T, p.Val217= (NM_001193302.2); c.750C>T, p.Val250= (NM_001370568.1); c.540C>T, p.Val180= (NM_001370569.1, NM_001370571.1).
Identifiers: ClinVar variation 749432 (VCV000749432.14), dbSNP rs202047148, ClinGen allele CA1155257.